The following is an entry in ClinVar:

ClinVar aggregate classification (germline): Uncertain significance (1 of 4 stars; one submission).

Conditions:
Cardiovascular phenotype. Identifiers: MedGen CN230736.

gnomAD v4.1: 1 of 1,614,138 alleles (0.000062%); highest among the groups gnomAD compares: African/African-American, 0.0013%; no homozygotes.

Submission:

Ambry Genetics
Classification: Uncertain significance for Cardiovascular phenotype. Last evaluated: 2024-01-13. Review status: criteria provided, single submitter. Criteria: Ambry Variant Classification Scheme 2023. Collection method: clinical testing. Allele origin: germline.
Comment: The p.P828R variant (also known as c.2483C>G), located in coding exon 15 of the SCN10A gene, results from a C to G substitution at nucleotide position 2483. The proline at codon 828 is replaced by arginine, an amino acid with dissimilar properties. This amino acid position is conserved. In addition, the in silico prediction for this alteration is inconclusive. Since supporting evidence is limited at this time, the clinical significance of this alteration remains unclear.

NM_006514.4(SCN10A):c.2483C>G (p.Pro828Arg)

Gene: SCN10A (sodium voltage-gated channel alpha subunit 10; minus strand). Cytogenetic location: 3p22.2.
Variant type: single nucleotide variant.
Coding change: c.2483C>G on transcript NM_006514.4 (MANE Select); coding-DNA position 2483, C replaced by G.
Protein change: p.Pro828Arg; replaces proline 828 with arginine.
Molecular consequence: missense variant.
Genome position (GRCh38, 1-based): chr3:38,728,699, G>C on the plus strand (C>G on the coding strand, the complement: SCN10A is on the minus strand). VCF-style: chr3-38728699-G-C. GRCh37 (hg19) VCF-style: chr3-38770190-G-C.
Other names: c.2483C>G, p.Pro828Arg (NM_001293306.2); c.2189C>G, p.Pro730Arg (NM_001293307.2); short protein forms P730R, P828R.
Identifiers: ClinVar variation 3225633 (VCV003225633.1), dbSNP rs749000689, ClinGen allele CA352160380.